The following is an entry in ClinVar:

NM_005263.5(GFI1):c.265T>C (p.Phe89Leu)

Gene: GFI1 (growth factor independent 1 transcriptional repressor; minus strand). Cytogenetic location: 1p22.1.
Variant type: single nucleotide variant.
Coding change: c.265T>C on transcript NM_005263.5 (MANE Select); coding-DNA position 265, T replaced by C.
Protein change: p.Phe89Leu; replaces phenylalanine 89 with leucine.
Molecular consequence: missense variant.
Genome position (GRCh38, 1-based): chr1:92,482,897, A>G on the plus strand (T>C on the coding strand, the complement: GFI1 is on the minus strand). VCF-style: chr1-92482897-A-G. GRCh37 (hg19) VCF-style: chr1-92948454-A-G.
Other names: c.265T>C, p.Phe89Leu (NM_001127215.3, NM_001127216.3); short protein forms F89L.
Identifiers: ClinVar variation 3519831 (VCV003519831.1).

ClinVar aggregate classification (germline): Uncertain significance (1 of 4 stars; one submission).

gnomAD v4.1: 2 of 1,614,018 alleles (0.00012%); highest among the groups gnomAD compares: African/African-American, 0.0013%; no homozygotes.

Submission:

Ambry Genetics
Classification: Uncertain significance. Last evaluated: 2024-11-25. Review status: criteria provided, single submitter. Criteria: Ambry Variant Classification Scheme 2023. Collection method: clinical testing. Allele origin: germline.
Comment: The p.F89L variant (also known as c.265T>C), located in coding exon 2 of the GFI1 gene, results from a T to C substitution at nucleotide position 265. The phenylalanine at codon 89 is replaced by leucine, an amino acid with highly similar properties. This amino acid position is conserved. In addition, this alteration is predicted to be tolerated by in silico analysis. Based on the available evidence, the clinical significance of this variant remains unclear.